The following is an entry in ClinVar:

ClinVar aggregate classification (germline): Uncertain significance. Review status: criteria provided, multiple submitters, no conflicts (2 of 4 stars). 2 submissions from 2 submitters: Uncertain significance (2). Last evaluated 2025-08-05.

Conditions:
Inborn genetic diseases. Identifiers: MedGen C0950123, MeSH D030342.
DOCK2 deficiency. Also called: Immunodeficiency 40. Identifiers: Orphanet 447737, MedGen C4225328, MONDO:0014637, OMIM 616433.

Allele frequency attached by ClinVar (database versions not stated): TOPMed 0.00003; gnomAD 0.00004; gnomAD exomes 0.00005; ExAC 0.00006.
gnomAD v4.1: 135 of 1,614,024 alleles (0.0084%); highest among the groups gnomAD compares: Non-Finnish European, 0.011%; no homozygotes.

Submissions (2):

Ambry Genetics
Classification: Uncertain significance for Inborn genetic diseases. Last evaluated: 2025-08-05. Review status: criteria provided, single submitter. Criteria: Ambry Variant Classification Scheme 2023. Collection method: clinical testing. Allele origin: germline.

Labcorp Genetics (formerly Invitae), Labcorp
Classification: Uncertain significance for DOCK2 deficiency. Last evaluated: 2025-05-19. Review status: criteria provided, single submitter. Criteria: Invitae Variant Classification Sherloc (09022015). Collection method: clinical testing. Allele origin: germline.
Comment: This sequence change replaces glutamine, which is neutral and polar, with arginine, which is basic and polar, at codon 1756 of the DOCK2 protein (p.Gln1756Arg). This variant is present in population databases (rs779208637, gnomAD 0.01%). This variant has not been reported in the literature in individuals affected with DOCK2-related conditions. ClinVar contains an entry for this variant (Variation ID: 1382795). An algorithm developed to predict the effect of missense changes on protein structure and function (PolyPhen-2) suggests that this variant is likely to be tolerated. In summary, the available evidence is currently insufficient to determine the role of this variant in disease. Therefore, it has been classified as a Variant of Uncertain Significance.

NM_004946.3(DOCK2):c.5267A>G (p.Gln1756Arg)

Gene: DOCK2 (dedicator of cytokinesis 2; plus strand). Cytogenetic location: 5q35.1.
Variant type: single nucleotide variant.
Coding change: c.5267A>G on transcript NM_004946.3 (MANE Select); coding-DNA position 5267, A replaced by G.
Protein change: p.Gln1756Arg; replaces glutamine 1756 with arginine.
Molecular consequence: missense variant. On other transcripts: non-coding transcript variant (1).
Genome position (GRCh38, 1-based): chr5:170,080,263, A>G. VCF-style: chr5-170080263-A-G. GRCh37 (hg19) VCF-style: chr5-169507267-A-G.
Other names: c.5267A>G (NM_004946.2); short protein forms Q1756R.
Identifiers: ClinVar variation 1382795 (VCV001382795.8), dbSNP rs779208637, ClinGen allele CA3554827.